The following is an entry in ClinVar:

ClinVar aggregate classification (germline): Likely benign. Review status: criteria provided, multiple submitters, no conflicts (2 of 4 stars). 3 submissions from 3 submitters: Likely benign (3). Last evaluated 2025-12-26.

Conditions:
Malignant hyperthermia, susceptibility to, 1 (MHS1). Also called: RYR1-Related Malignant Hyperthermia Susceptibility; Anesthesia related hyperthermia; Malignant hyperpyrexia; Fulminating hyperpyrexia; Pharmacogenic myopathy; Malignant hyperthermia suceptibility 1. Identifiers: Orphanet 423, MedGen C2930980, MONDO:0007783, OMIM 145600.

Allele frequency attached by ClinVar (database versions not stated): gnomAD exomes below 0.00001; TOPMed below 0.00001; gnomAD 0.00001.
gnomAD v4.1: 2 of 1,601,800 alleles (0.00012%); highest among the groups gnomAD compares: Non-Finnish European, 0.00017%; no homozygotes.

Submissions (3):

Women's Health and Genetics/Laboratory Corporation of America, LabCorp
Classification: Likely benign. Last evaluated: 2025-12-26. Review status: criteria provided, single submitter. Criteria: LabCorp Variant Classification Summary - May 2015. Collection method: clinical testing. Allele origin: germline.

All of Us Research Program, National Institutes of Health
Classification: Likely benign for Malignant hyperthermia, susceptibility to, 1. Last evaluated: 2023-12-01. Review status: criteria provided, single submitter. Criteria: ACMG Guidelines, 2015. Collection method: clinical testing. Allele origin: germline. Inheritance: Autosomal dominant inheritance. Observed: 2 variant alleles, 2 heterozygotes.
Comment: This study involves interpretation of variants in research participants for the purpose of population health screening. Participant phenotype was not available at the time of variant classification. Additional details can be found in publication PMID: 35346344, PMCID: PMC8962531

Color Diagnostics, LLC DBA Color Health
Classification: Likely benign for Malignant hyperthermia, susceptibility to, 1. Last evaluated: 2022-11-06. Review status: criteria provided, single submitter. Criteria: ACMG Guidelines, 2015. Collection method: clinical testing. Allele origin: germline.

NM_000540.3(RYR1):c.7122A>G (p.Ser2374=)

Gene: RYR1 (ryanodine receptor 1; plus strand). Cytogenetic location: 19q13.2.
Variant type: single nucleotide variant.
Coding change: c.7122A>G on transcript NM_000540.3 (MANE Select); coding-DNA position 7122, A replaced by G.
Protein change: p.Ser2374=; no amino-acid change (serine 2374 retained).
Molecular consequence: synonymous variant.
Genome position (GRCh38, 1-based): chr19:38,499,729, A>G. VCF-style: chr19-38499729-A-G. GRCh37 (hg19) VCF-style: chr19-38990369-A-G.
Other names: c.7122A>G, p.Ser2374= (NM_001042723.2).
Identifiers: ClinVar variation 3069399 (VCV003069399.3), dbSNP rs1429697272, ClinGen allele CA507353871.
Genomic context (GRCh38, chr19:38,499,729, plus strand): 5'-GCGGCTGCTCATCCGGAAGCCTGAGTGCTTCGGACCCGCCCTGCGGGGTGAGGGTGGCTC[A>G]GGGCTGCTGGCTGCCATCGAAGAGGCCATCCGCATCTCCGAGGACCCTGCGAGGGATGGC-3'
Protein context (NP_000531.2, residues 2364-2384): FGPALRGEGG[Ser2374=]GLLAAIEEAI